The following is an entry in ClinVar:

ClinVar aggregate classification (germline): Benign (1 of 4 stars; one submission).

gnomAD v4.1: 581 of 398,390 alleles (0.15%); highest among the groups gnomAD compares: African/African-American, 1.1%; 4 homozygotes.

Submission:

CeGaT Center for Human Genetics Tuebingen
Classification: Benign. Last evaluated: 2026-08-01. Review status: criteria provided, single submitter. Criteria: CeGaT Center For Human Genetics Tuebingen Variant Classification Criteria Version 2. Collection method: clinical testing. Allele origin: germline. Affected: yes. Observed: 1 variant allele.
Comment: KCNQ1OT1: BS1, BS2

NM_000218.3(KCNQ1):c.1394-32727T>C

Genes: KCNQ1 (potassium voltage-gated channel subfamily Q member 1; plus strand), KCNQ1OT1 (KCNQ1 opposite strand/antisense transcript 1; minus strand). Cytogenetic location: 11p15.5.
Variant type: single nucleotide variant.
Coding change: c.1394-32727T>C on transcript NM_000218.3 (MANE Select); 32727 bases into the intron before coding-DNA position 1394, T replaced by C.
Molecular consequence: intron variant. On other transcripts: non-coding transcript variant (1).
Genome position (GRCh38, 1-based): chr11:2,629,234, T>C. VCF-style: chr11-2629234-T-C. GRCh37 (hg19) VCF-style: chr11-2650464-T-C.
Other names: c.1124-32727T>C (NM_001406837.1); c.1298-32727T>C (NM_001406836.1); c.854-32727T>C (NM_001406838.1); c.1013-32727T>C (NM_181798.2).
Identifiers: ClinVar variation 5039585 (VCV005039585.1).